The following is an entry in ClinVar:

ClinVar aggregate classification (germline): Uncertain significance (1 of 4 stars; one submission).

Submission:

GeneDx
Classification: Uncertain significance. Last evaluated: 2021-01-08. Review status: criteria provided, single submitter. Criteria: GeneDx Variant Classification Process June 2021. Collection method: clinical testing. Allele origin: germline. Affected: yes.
Comment: Not observed in large population cohorts (Lek et al., 2016); In silico analysis supports that this missense variant has a deleterious effect on protein structure/function; In-silico analysis, which includes splice predictors and evolutionary conservation, is inconclusive as to whether the variant alters gene splicing. In the absence of RNA/functional studies, the actual effect of this sequence change is unknown.; Has not been previously published as pathogenic or benign to our knowledge

NM_001042424.3(NSD2):c.2518G>A (p.Gly840Arg)

Gene: NSD2 (nuclear receptor binding SET domain protein 2; plus strand). Cytogenetic location: 4p16.3.
Variant type: single nucleotide variant.
Coding change: c.2518G>A on transcript NM_001042424.3 (MANE Select); coding-DNA position 2518, G replaced by A.
Protein change: p.Gly840Arg; replaces glycine 840 with arginine.
Molecular consequence: missense variant.
Genome position (GRCh38, 1-based): chr4:1,955,340, G>A. VCF-style: chr4-1955340-G-A. GRCh37 (hg19) VCF-style: chr4-1957067-G-A.
Other names: c.2518G>A, p.Gly840Arg (NM_133330.3, NM_133331.3, NM_133335.4); short protein forms G840R.
Identifiers: ClinVar variation 1313800 (VCV001313800.2), dbSNP rs2108957187, ClinGen allele CA355989294.